The following is an entry in ClinVar:

ClinVar aggregate classification (germline): Pathogenic (1 of 4 stars; one submission).

Submission:

Labcorp Genetics (formerly Invitae), Labcorp
Classification: Pathogenic. Last evaluated: 2024-06-21. Review status: criteria provided, single submitter. Criteria: Invitae Variant Classification Sherloc (09022015). Collection method: clinical testing. Allele origin: germline.
Comment: This sequence change creates a premature translational stop signal (p.Val748Glyfs*30) in the NFKB1 gene. It is expected to result in an absent or disrupted protein product. Loss-of-function variants in NFKB1 are known to be pathogenic (PMID: 26279205, 29477724). This variant is not present in population databases (gnomAD no frequency). This variant has not been reported in the literature in individuals affected with NFKB1-related conditions. For these reasons, this variant has been classified as Pathogenic.

Literature cited by the submitters: PubMed 26279205; PubMed 29477724.

NM_003998.4(NFKB1):c.2243del (p.Val748fs)

Gene: NFKB1 (nuclear factor kappa B subunit 1; plus strand). Cytogenetic location: 4q24.
Variant type: Deletion.
Coding change: c.2243del on transcript NM_003998.4 (MANE Select); coding-DNA position 2243, one base deleted (T; older notation c.2243delT).
Protein change: p.Val748fs; shifts the reading frame from valine 748.
Molecular consequence: frameshift variant.
Genome position (GRCh38, 1-based): chr4:102,610,590, T deleted. VCF-style (leftmost placement, unchanged base first): chr4-102610589-GT-G. GRCh37 (hg19) VCF-style: chr4-103531746-GT-G.
Other names: c.2240del, p.Val747fs (NM_001165412.2, NM_001319226.2, NM_001382627.1); c.2243del, p.Val748fs (NM_001382625.1, NM_001382626.1); c.2201del, p.Val734fs (NM_001382628.1); short protein forms V734fs, V747fs, V748fs.
Identifiers: ClinVar variation 3657320 (VCV003657320.2).